The following is an entry in ClinVar:

NM_032043.3(BRIP1):c.3174G>T (p.Leu1058=)

Gene: BRIP1 (BRCA1 interacting DNA helicase 1; minus strand). Cytogenetic location: 17q23.2.
Variant type: single nucleotide variant.
Coding change: c.3174G>T on transcript NM_032043.3 (MANE Select); coding-DNA position 3174, G replaced by T.
Protein change: p.Leu1058=; no amino-acid change (leucine 1058 retained).
Molecular consequence: synonymous variant.
Genome position (GRCh38, 1-based): chr17:61,683,872, C>A on the plus strand (G>T on the coding strand, the complement: BRIP1 is on the minus strand). VCF-style: chr17-61683872-C-A. GRCh37 (hg19) VCF-style: chr17-59761233-C-A.
Identifiers: ClinVar variation 1728476 (VCV001728476.6), dbSNP rs1555572806, ClinGen allele CA501335322.

ClinVar aggregate classification (germline): Benign/Likely benign. Review status: criteria provided, multiple submitters, no conflicts (2 of 4 stars). 3 submissions from 3 submitters: Benign (1); Likely benign (2). Last evaluated 2024-09-09.

Conditions:
Familial cancer of breast. Also called: BREAST CANCER, FAMILIAL; Hereditary breast cancer; hereditary breast carcinoma. Identifiers: Orphanet 227535, MedGen C0346153, MONDO:0016419, OMIM 114480. Disease mechanism: loss of function.
Fanconi anemia complementation group J. Also called: BRIP1-Related Fanconi Anemia. Identifiers: Orphanet 84, MedGen C1836860, MONDO:0012187, OMIM 609054.
Hereditary cancer-predisposing syndrome. Also called: Neoplastic Syndromes, Hereditary; Tumor predisposition; Hereditary Cancer Syndrome; Hereditary neoplastic syndrome. Identifiers: Orphanet 140162, MedGen C0027672, MeSH D009386, MONDO:0015356.

Submissions (3):

Myriad Genetics, Inc.
Classification: Benign for Familial cancer of breast. Last evaluated: 2024-09-09. Review status: criteria provided, single submitter. Criteria: Myriad Autosomal Dominant, Autosomal Recessive and X-Linked Classification Criteria (2023). Collection method: clinical testing. Allele origin: unknown.
Comment: This variant is considered benign. This variant is a silent/synonymous amino acid change and it is not expected to impact splicing.

Labcorp Genetics (formerly Invitae), Labcorp
Classification: Likely benign for Familial cancer of breast; Fanconi anemia complementation group J. Last evaluated: 2023-06-25. Review status: criteria provided, single submitter. Criteria: Invitae Variant Classification Sherloc (09022015). Collection method: clinical testing. Allele origin: germline.

Ambry Genetics
Classification: Likely benign for Hereditary cancer-predisposing syndrome. Last evaluated: 2021-10-03. Review status: criteria provided, single submitter. Criteria: Ambry Variant Classification Scheme 2023. Collection method: clinical testing. Allele origin: germline.